The following is an entry in ClinVar:

ClinVar aggregate classification (germline): Uncertain significance. Review status: criteria provided, multiple submitters, no conflicts (2 of 4 stars). 3 submissions from 3 submitters: Uncertain significance (3). Last evaluated 2024-11-15.

Conditions:
Cardiovascular phenotype. Identifiers: MedGen CN230736.

Allele frequency attached by ClinVar (database versions not stated): gnomAD 0.00001; gnomAD exomes 0.00001; ExAC 0.00002; TOPMed 0.00002; ESP Exome Variant Server 0.00008.
gnomAD v4.1: 14 of 1,613,538 alleles (0.00087%); highest among the groups gnomAD compares: African/African-American, 0.0013%; no homozygotes.

Submissions (3):

Women's Health and Genetics/Laboratory Corporation of America, LabCorp
Classification: Uncertain significance. Last evaluated: 2024-11-15. Review status: criteria provided, single submitter. Criteria: LabCorp Variant Classification Summary - May 2015. Collection method: clinical testing. Allele origin: germline.

CeGaT Center for Human Genetics Tuebingen
Classification: Uncertain significance. Last evaluated: 2024-01-01. Review status: criteria provided, single submitter. Criteria: CeGaT Center For Human Genetics Tuebingen Variant Classification Criteria Version 2. Collection method: clinical testing. Allele origin: germline. Affected: yes. Observed: 1 variant allele.

Ambry Genetics
Classification: Uncertain significance for Cardiovascular phenotype. Last evaluated: 2019-06-19. Review status: criteria provided, single submitter. Criteria: Ambry Variant Classification Scheme 2023. Collection method: clinical testing. Allele origin: germline.
Comment: The p.A24010V variant (also known as c.72029C>T), located in coding exon 181 of the TTN gene, results from a C to T substitution at nucleotide position 72029. The alanine at codon 24010 is replaced by valine, an amino acid with similar properties. This amino acid position is highly conserved in available vertebrate species. In addition, the in silico prediction for this alteration is inconclusive. Since supporting evidence is limited at this time, the clinical significance of this alteration remains unclear.

NM_001267550.2(TTN):c.99224C>T (p.Ala33075Val)

Genes: TTN (titin; minus strand), TTN-AS1 (TTN antisense RNA 1; plus strand). Cytogenetic location: 2q31.2.
Variant type: single nucleotide variant.
Coding change: c.99224C>T on transcript NM_001267550.2 (MANE Select); coding-DNA position 99224, C replaced by T.
Protein change: p.Ala33075Val; replaces alanine 33075 with valine.
Molecular consequence: missense variant.
Genome position (GRCh38, 1-based): chr2:178,538,605, G>A on the plus strand (C>T on the coding strand, the complement: TTN is on the minus strand). VCF-style: chr2-178538605-G-A. GRCh37 (hg19) VCF-style: chr2-179403332-G-A.
Other names: c.94301C>T, p.Ala31434Val (NM_001256850.1); c.72029C>T, p.Ala24010Val (NM_003319.4); c.91520C>T, p.Ala30507Val (NM_133378.4); c.72404C>T, p.Ala24135Val (NM_133432.3); c.72605C>T, p.Ala24202Val (NM_133437.4); short protein forms A30507V, A31434V, A24010V, A24135V, A24202V, A33075V.
Identifiers: ClinVar variation 1757674 (VCV001757674.25), dbSNP rs373447560, ClinGen allele CA1986238.